The following is an entry in ClinVar:

NM_024325.6(ZNF343):c.1401T>C (p.Cys467=)

Gene: ZNF343 (zinc finger protein 343; minus strand). Cytogenetic location: 20p13.
Variant type: single nucleotide variant.
Coding change: c.1401T>C on transcript NM_024325.6 (MANE Select); coding-DNA position 1401, T replaced by C.
Protein change: p.Cys467=; no amino-acid change (cysteine 467 retained).
Molecular consequence: synonymous variant.
Genome position (GRCh38, 1-based): chr20:2,483,560, A>G on the plus strand (T>C on the coding strand, the complement: ZNF343 is on the minus strand). VCF-style: chr20-2483560-A-G. GRCh37 (hg19) VCF-style: chr20-2464206-A-G.
Other names: c.1401T>C, p.Cys467= (NM_001282495.1, NM_001282496.2, NM_001321800.2); c.1524T>C, p.Cys508= (NM_001282497.2, NM_001321801.2); c.1131T>C, p.Cys377= (NM_001282498.2); c.1521T>C, p.Cys507= (NM_001321802.2, NM_001321803.2); c.1398T>C, p.Cys466= (NM_001321805.2).
Identifiers: ClinVar variation 2652147 (VCV002652147.24), dbSNP rs746493659, ClinGen allele CA9732718.
Genomic context (GRCh38, chr20:2,483,560, plus strand): 5'-GTGTGTCCTCTGGTGGACAAGGAGGAGTGATTTCCGACTAAAGCCTCGGCCACACTCACC[A>G]CACACATAAGGCTTCTCTCCAGAGTGCGTCCGCTCGTGTATGATGAGGGTTGACTTGTCA-3'
Protein context (NP_077301.4, residues 457-477): RTHSGEKPYV[Cys467=]GECGRGFSRK

ClinVar aggregate classification (germline): Likely benign (1 of 4 stars; one submission).

Allele frequency attached by ClinVar (database versions not stated): gnomAD exomes 0.00007; ExAC 0.00012.

Submission:

CeGaT Center for Human Genetics Tuebingen
Classification: Likely benign. Last evaluated: 2024-02-01. Review status: criteria provided, single submitter. Criteria: CeGaT Center For Human Genetics Tuebingen Variant Classification Criteria Version 2. Collection method: clinical testing. Allele origin: germline. Affected: yes. Observed: 1 variant allele.
Comment: ZNF343: BP4, BP7